The following is an entry in ClinVar:

ClinVar aggregate classification (germline): Pathogenic. Review status: criteria provided, multiple submitters, no conflicts (2 of 4 stars). 6 submissions from 6 submitters: Pathogenic (6). Last evaluated 2025-12-20.

Conditions:
Cardiovascular phenotype. Identifiers: MedGen CN230736.
MYBPC3-related disorder. Also called: MYBPC3-related condition; MYBPC3-related disease; MYBPC3-related disorders.
Cardiomyopathy (CMYO). Also called: Cardiomyopathies. Identifiers: Orphanet 167848, MedGen C0878544, MONDO:0004994, HP:0001638. Inheritance: Various modes of inheritance.
Hypertrophic cardiomyopathy. Also called: HYPERTROPHIC MYOCARDIOPATHY. Identifiers: Orphanet 217569, MedGen C0007194, MeSH D002312, MONDO:0005045, HP:0001639.

gnomAD v4.1: 1 of 1,613,860 alleles (0.000062%); highest among the groups gnomAD compares: Non-Finnish European, 0.000085%; no homozygotes.

Submissions (6):

Labcorp Genetics (formerly Invitae), Labcorp
Classification: Pathogenic for Hypertrophic cardiomyopathy. Last evaluated: 2025-12-20. Review status: criteria provided, single submitter. Criteria: Invitae Variant Classification Sherloc (09022015). Collection method: clinical testing. Allele origin: germline.
Comment: This sequence change affects an acceptor splice site in intron 16 of the MYBPC3 gene. It is expected to disrupt RNA splicing. Variants that disrupt the donor or acceptor splice site typically lead to a loss of protein function (PMID: 16199547), and loss-of-function variants in MYBPC3 are known to be pathogenic (PMID: 19574547). This variant is not present in population databases (gnomAD no frequency). Disruption of this splice site has been observed in individuals with hypertrophic cardiomyopathy and/or dilated cardiomyopathy (PMID: 22178992, 27532257, 27600940, 28615295, 30847666, 31514951; internal data). ClinVar contains an entry for this variant (Variation ID: 42532). Algorithms developed to predict the effect of sequence changes on RNA splicing suggest that this variant may disrupt the consensus splice site. For these reasons, this variant has been classified as Pathogenic.

GeneDx
Classification: Pathogenic. Last evaluated: 2025-07-02. Review status: criteria provided, single submitter. Criteria: GeneDx Variant Classification Process June 2021. Collection method: clinical testing. Allele origin: germline. Affected: yes.
Comment: Identified in patients with HCM referred for genetic testing at GeneDx, and in the published literature (PMID: 27600940, 28790153, 28408708, 27532257); Not observed at significant frequency in large population cohorts (gnomAD); Canonical splice site variant in a gene for which loss-of-function is a known mechanism of disease; This variant is associated with the following publications: (PMID: 28408708, 28790153, 28615295, 27532257, 27600940, 22178992, 34717131, 31514951, Farne2021[publication], 37652022, 36578016, 35208637)

PreventionGenetics, part of Exact Sciences
Classification: Pathogenic for MYBPC3-related condition. Last evaluated: 2022-12-15. Review status: criteria provided, single submitter. Criteria: ACMG Guidelines, 2015. Collection method: clinical testing. Allele origin: germline.
Comment: The MYBPC3 c.1458-1G>A variant is predicted to disrupt the AG splice acceptor site and interfere with normal splicing. This variant was reported in individuals with hypertrophic cardiomyopathy or dilated cardiomyopathy (Table S1b, Walsh et al. 2017. PubMed ID: 27532257; Online Table 1, Gigli et al. 2019. PubMed ID: 31514951). This variant has not been reported in a large population database, indicating this variant is rare. Variants that disrupt the consensus splice acceptor site in MYBPC3 are expected to be pathogenic. This variant is interpreted as pathogenic.

Ambry Genetics
Classification: Pathogenic for Cardiovascular phenotype. Last evaluated: 2022-03-23. Review status: criteria provided, single submitter. Criteria: Ambry Variant Classification Scheme 2023. Collection method: clinical testing. Allele origin: germline.
Comment: The c.1458-1G>A intronic pathogenic mutation results from a G to A substitution one nucleotide before coding exon 17 of the MYBPC3 gene. This alteration has been detected in hypertrophic cardiomyopathy (HCM) cohorts undergoing genetic testing (Walsh R et al. Genet. Med. 2017 Feb;19(2):192-203; Cecconi M et al. Int. J. Mol. Med. 2016 Oct;38(4):1111-24). Another alteration affecting the same nucleotide (c.1458-1G>C) has also been reported in a patient with HCM (van Dijk SJ et al. Circ Heart Fail. 2012;5(1):36-46). This variant is considered to be rare based on population cohorts in the Genome Aggregation Database (gnomAD). In silico splice site analysis predicts that this alteration will weaken the native splice acceptor site and will result in the creation or strengthening of a novel splice acceptor site. In addition to the clinical data presented in the literature, alterations that disrupt the canonical splice site are expected to cause aberrant splicing, resulting in an abnormal protein or a transcript that is subject to nonsense-mediated mRNA decay. As such, this alteration is classified as a disease-causing mutation.

CHEO Genetics Diagnostic Laboratory, Children's Hospital of Eastern Ontario
Classification: Pathogenic for Cardiomyopathy. Last evaluated: 2021-04-01. Review status: criteria provided, single submitter. Criteria: ACMG Guidelines, 2015. Collection method: clinical testing. Allele origin: germline.

Laboratory for Molecular Medicine, Mass General Brigham Personalized Medicine
Classification: Pathogenic for Hypertrophic cardiomyopathy. Last evaluated: 2015-04-27. Review status: criteria provided, single submitter. Criteria: LMM Criteria. Collection method: clinical testing. Allele origin: germline. Inheritance: Autosomal dominant inheritance. Observed: 2 variant alleles.
Comment: It was absent from large populations studies (dbSNP rs39 7515903). This variant occurs in the invariant region (+/- 1,2) of the splice co nsensus sequence and is predicted to cause altered splicing leading to an abnorm al or absent protein. Heterozygous loss of MYBPC3 function is an established me chanism of disease for HCM. In summary, this variant meets our criteria to be cl assified as pathogenic for HCM in an autosomal dominant manner based upon predicted impact to the protein and absence from controls.

Literature cited by the submitters: PubMed 16199547 (cited by Labcorp Genetics (formerly Invitae), Labcorp); PubMed 19574547 (cited by Labcorp Genetics (formerly Invitae), Labcorp); PubMed 22178992 (cited by Labcorp Genetics (formerly Invitae), Labcorp and Laboratory for Molecular Medicine, Mass General Brigham Personalized Medicine); PubMed 27532257 (cited by Labcorp Genetics (formerly Invitae), Labcorp and Ambry Genetics); PubMed 27600940 (cited by Labcorp Genetics (formerly Invitae), Labcorp and Ambry Genetics); PubMed 28615295 (cited by Labcorp Genetics (formerly Invitae), Labcorp); PubMed 30847666 (cited by Labcorp Genetics (formerly Invitae), Labcorp); PubMed 31514951 (cited by Labcorp Genetics (formerly Invitae), Labcorp); PubMed 25034069 (cited by Ambry Genetics).

NM_000256.3(MYBPC3):c.1458-1G>A

Gene: MYBPC3 (myosin binding protein C3; minus strand). Cytogenetic location: 11p11.2.
Variant type: single nucleotide variant.
Coding change: c.1458-1G>A on transcript NM_000256.3 (MANE Select); the canonical splice acceptor site of the intron before coding-DNA position 1458, G replaced by A.
Molecular consequence: splice acceptor variant.
Genome position (GRCh38, 1-based): chr11:47,342,745, C>T on the plus strand (G>A on the coding strand, the complement: MYBPC3 is on the minus strand). VCF-style: chr11-47342745-C-T. GRCh37 (hg19) VCF-style: chr11-47364296-C-T.
Identifiers: ClinVar variation 42532 (VCV000042532.18), dbSNP rs397515903, ClinGen allele CA010375.